The following is an entry in ClinVar:

NM_001206927.2(DNAH8):c.12760C>A (p.Leu4254Ile)

Gene: DNAH8 (dynein axonemal heavy chain 8; plus strand). Cytogenetic location: 6p21.2.
Variant type: single nucleotide variant.
Coding change: c.12760C>A on transcript NM_001206927.2 (MANE Select); coding-DNA position 12760, C replaced by A.
Protein change: p.Leu4254Ile; replaces leucine 4254 with isoleucine.
Molecular consequence: missense variant.
Genome position (GRCh38, 1-based): chr6:38,974,455, C>A. VCF-style: chr6-38974455-C-A. GRCh37 (hg19) VCF-style: chr6-38942231-C-A.
Other names: c.12109C>A, p.Leu4037Ile (NM_001371.4); short protein forms L4037I, L4254I.
Identifiers: ClinVar variation 1409687 (VCV001409687.8), dbSNP rs753837313, ClinGen allele CA3791455.
Genomic context (GRCh38, chr6:38,974,455, plus strand): 5'-GAGCCACCCCAAGGTGTACGCGCAGGTTTGAAAAGAACATTTGCTGGAATTAATCAAGAC[C>A]TTCTGGACATCAGTAATTTACCCATGTGGAAGCCGATGCTTTACACAGTAGCATTTTTAC-3'
Protein context (NP_001193856.1, residues 4244-4264): KRTFAGINQD[Leu4254Ile]LDISNLPMWK

ClinVar aggregate classification (germline): Uncertain significance (1 of 4 stars; one submission).

Conditions:
Primary ciliary dyskinesia. Also called: Ciliary dyskinesia. Identifiers: Orphanet 244, MedGen C0008780, MONDO:0016575, HP:0012265.

Allele frequency attached by ClinVar (database versions not stated): gnomAD exomes below 0.00001 and 0.00002; gnomAD 0.00001; ExAC 0.00002.
gnomAD v4.1: 3 of 1,613,582 alleles (0.00019%); highest among the groups gnomAD compares: Admixed American, 0.0017%; no homozygotes.

Submission:

Labcorp Genetics (formerly Invitae), Labcorp
Classification: Uncertain significance for Primary ciliary dyskinesia. Last evaluated: 2021-02-01. Review status: criteria provided, single submitter. Criteria: Invitae Variant Classification Sherloc (09022015). Collection method: clinical testing. Allele origin: germline.
Comment: In summary, the available evidence is currently insufficient to determine the role of this variant in disease. Therefore, it has been classified as a Variant of Uncertain Significance. Algorithms developed to predict the effect of missense changes on protein structure and function are either unavailable or do not agree on the potential impact of this missense change (SIFT: "Deleterious"; PolyPhen-2: "Not Available"; Align-GVGD: "Class C0"). This variant has not been reported in the literature in individuals with DNAH8-related conditions. This variant is present in population databases (rs753837313, ExAC 0.003%). This sequence change replaces leucine with isoleucine at codon 4254 of the DNAH8 protein (p.Leu4254Ile). The leucine residue is highly conserved and there is a small physicochemical difference between leucine and isoleucine.